The following is an entry in ClinVar:

ClinVar aggregate classification (germline): Benign/Likely benign. Review status: criteria provided, multiple submitters, no conflicts (2 of 4 stars). 7 submissions from 7 submitters: Benign (3); Likely benign (3). 1 of the submissions does not count toward it. Last evaluated 2026-02-01.

Conditions:
Malaria, susceptibility to. Identifiers: Orphanet 673, MedGen C1970028, MONDO:0021024, OMIM 611162.
Hereditary spherocytosis type 4. Also called: SLC4A1-Related Spherocytosis. Identifiers: Orphanet 822, MedGen C2675212, MONDO:0012981, OMIM 612653.
Cryohydrocytosis. Also called: CRYOHYDROCYTOSIS DUE TO BAND 3 HEMEL; STOMATOCYTOSIS, COLD-SENSITIVE; Hereditary cryohydrocytosis with normal stomatin; CRYOHYDROCYTOSIS DUE TO BAND 3 HURSTPIERPOINT; CRYOHYDROCYTOSIS DUE TO BAND 3 BLACKBURN. Identifiers: Orphanet 398088, MedGen C1861453, MONDO:0008494, OMIM 185020.
Autosomal dominant distal renal tubular acidosis (DRTA1). Also called: RTA, CLASSIC TYPE; RTA, DISTAL TYPE, AUTOSOMAL DOMINANT; RTA, GRADIENT TYPE; RENAL TUBULAR ACIDOSIS, DISTAL, 1; Renal Tubular Acidosis, Type I. Identifiers: Orphanet 93608, MedGen CN280572, MONDO:0008368, OMIM 179800.
Renal tubular acidosis, distal, 4, with hemolytic anemia. Also called: Renal Tubular Acidosis, Distal, with Hemolytic Anemia. Identifiers: Orphanet 93610, MedGen C5436235, MONDO:0012700, OMIM 611590.
Southeast Asian ovalocytosis. Also called: HE, STOMATOCYTIC; Elliptocytosis 4; Stomatocytic elliptocytosis, hereditary; Ovalocytosis, Malaysian-Melanesian-Filipino type. Identifiers: Orphanet 98868, MedGen C1862322, MONDO:0008165, OMIM 166900.
BLOOD GROUP, WALDNER (WD). Also called: WALDNER BLOOD GROUP ANTIGEN. Identifiers: MedGen C1862191, OMIM 112010.
BLOOD GROUP--FROESE (FR). Also called: FROESE BLOOD GROUP ANTIGEN. Identifiers: MedGen C1832168, OMIM 601551.
BLOOD GROUP--WRIGHT ANTIGEN (WR). Identifiers: MedGen C1862190, OMIM 112050.
BLOOD GROUP--SWANN SYSTEM (SW). Also called: SWANN BLOOD GROUP. Identifiers: MedGen C1832169, OMIM 601550.
BLOOD GROUP--DIEGO SYSTEM (DI). Identifiers: MedGen C1292286, OMIM 110500.
SLC4A1-related disorder. Also called: SLC4A1-related condition; SLC4A1-related disorders.

Allele frequency attached by ClinVar (database versions not stated): gnomAD exomes 0.00090; ExAC 0.00110; 1000 Genomes Project 0.00280; 1000 Genomes Project 30x 0.00312; ESP Exome Variant Server 0.00361; gnomAD 0.00411 and 0.00447; TOPMed 0.00430.

Submissions (7):

Labcorp Genetics (formerly Invitae), Labcorp
Classification: Benign. Last evaluated: 2026-02-01. Review status: criteria provided, single submitter. Criteria: Invitae Variant Classification Sherloc (09022015). Collection method: clinical testing. Allele origin: germline.

Mayo Clinic Laboratories, Mayo Clinic
Classification: Likely benign. Last evaluated: 2025-11-04. Review status: criteria provided, single submitter. Criteria: ACMG Guidelines, 2015. Collection method: clinical testing. Allele origin: germline. Observed: 13 variant alleles.

ARUP Laboratories, Molecular Genetics and Genomics, ARUP Laboratories
Classification: Benign. Last evaluated: 2025-02-20. Review status: criteria provided, single submitter. Criteria: ARUP Molecular Germline Variant Investigation Process 2024. Collection method: clinical testing. Allele origin: germline.

Blueprint Genetics
Classification: Likely benign. Last evaluated: 2024-09-05. Review status: criteria provided, single submitter. Criteria: ACMG Guidelines, 2015. Collection method: clinical testing. Allele origin: germline.

CeGaT Center for Human Genetics Tuebingen
Classification: Benign. Last evaluated: 2024-04-01. Review status: criteria provided, single submitter. Criteria: CeGaT Center For Human Genetics Tuebingen Variant Classification Criteria Version 2. Collection method: clinical testing. Allele origin: germline. Affected: yes. Observed: 1 variant allele.
Comment: SLC4A1: BP4, BP7, BS1, BS2

Fulgent Genetics
Classification: Likely benign for BLOOD GROUP--DIEGO SYSTEM; BLOOD GROUP, WALDNER; BLOOD GROUP--WRIGHT ANTIGEN; Southeast Asian ovalocytosis; Autosomal dominant distal renal tubular acidosis; Cryohydrocytosis; BLOOD GROUP--SWANN SYSTEM; BLOOD GROUP--FROESE; Malaria, susceptibility to; Renal tubular acidosis, distal, 4, with hemolytic anemia; Hereditary spherocytosis type 4. Last evaluated: 2021-07-30. Review status: criteria provided, single submitter. Criteria: ACMG Guidelines, 2015. Collection method: clinical testing. Allele origin: unknown.

PreventionGenetics, part of Exact Sciences
Classification: Benign for SLC4A1-related condition. Last evaluated: 2020-01-14. Review status: no assertion criteria provided. Collection method: clinical testing. Allele origin: germline. Not counted in ClinVar's aggregate classification.
Comment: This variant is classified as benign based on ACMG/AMP sequence variant interpretation guidelines (Richards et al. 2015 PMID: 25741868, with internal and published modifications).

NM_000342.4(SLC4A1):c.12G>A (p.Leu4=)

Gene: SLC4A1 (solute carrier family 4 member 1 (Diego blood group); minus strand). Cytogenetic location: 17q21.31.
Variant type: single nucleotide variant.
Coding change: c.12G>A on transcript NM_000342.4 (MANE Select); coding-DNA position 12, G replaced by A.
Protein change: p.Leu4=; no amino-acid change (leucine 4 retained).
Molecular consequence: synonymous variant.
Genome position (GRCh38, 1-based): chr17:44,262,855, C>T on the plus strand (G>A on the coding strand, the complement: SLC4A1 is on the minus strand). VCF-style: chr17-44262855-C-T. GRCh37 (hg19) VCF-style: chr17-42340223-C-T.
Other names: p.Leu4=.
Identifiers: ClinVar variation 780428 (VCV000780428.39), dbSNP rs115901854, ClinGen allele CA8600774.